The following is an entry in ClinVar:

ClinVar aggregate classification (germline): Likely pathogenic (1 of 4 stars; one submission).

Conditions:
Autosomal recessive limb-girdle muscular dystrophy type 2J (LGMDR10). Also called: Limb-girdle muscular dystrophy, type 2J; MUSCULAR DYSTROPHY, LIMB-GIRDLE, AUTOSOMAL RECESSIVE 10. Identifiers: Orphanet 140922, MedGen C1837342, MONDO:0012127, OMIM 608807.
Dilated cardiomyopathy 1G (CMD1G). Identifiers: Orphanet 154, MedGen C1858763, MONDO:0011400, OMIM 604145.

Submission:

Labcorp Genetics (formerly Invitae), Labcorp
Classification: Likely pathogenic for Dilated cardiomyopathy 1G; Autosomal recessive limb-girdle muscular dystrophy type 2J. Last evaluated: 2024-11-08. Review status: criteria provided, single submitter. Criteria: Invitae Variant Classification Sherloc (09022015). Collection method: clinical testing. Allele origin: germline.
Comment: This sequence change creates a premature translational stop signal (p.Val12117Glyfs*5) in the TTN gene. While this is not anticipated to result in nonsense mediated decay, it is expected to create a truncated TTN protein. This variant is not present in population databases (gnomAD no frequency). This variant has not been reported in the literature in individuals affected with TTN-related conditions. Algorithms developed to predict the effect of sequence changes on RNA splicing suggest that this variant may disrupt the consensus splice site. This variant is located in the I band of TTN (PMID: 25589632). Truncating variants in this region have been reported in individuals affected with autosomal recessive centronuclear myopathy (PMID: 23975875, internal data). Truncating variants in this region have also been identified in individuals affected with autosomal dominant dilated cardiomyopathy and/or cardio-related conditions (PMID: 27869827, 32964742, internal data). In summary, the currently available evidence indicates that the variant is pathogenic, but additional data are needed to prove that conclusively. Therefore, this variant has been classified as Likely Pathogenic.

Literature cited by the submitters: PubMed 25589632; PubMed 23975875; PubMed 27869827; PubMed 32964742.

NM_001267550.2(TTN):c.36349dup (p.Val12117fs)

Gene: TTN (titin; minus strand). Cytogenetic location: 2q31.2.
Variant type: Duplication.
Coding change: c.36349dup on transcript NM_001267550.2 (MANE Select); coding-DNA position 36349, one base duplicated (G; older notation c.36349dupG).
Protein change: p.Val12117fs; shifts the reading frame from valine 12117.
Molecular consequence: frameshift variant. On other transcripts: intron variant (5).
Genome position (GRCh38, 1-based): chr2:178,664,030, C duplicated on the plus strand (G on the coding strand, the reverse complement: TTN is on the minus strand). VCF-style (leftmost placement, unchanged base first): chr2-178664029-A-AC. GRCh37 (hg19) VCF-style: chr2-179528756-A-AC.
Other names: c.13283-21713dup (NM_003319.4); c.13859-21713dup (NM_133437.4); c.13658-21713dup (NM_133432.3); c.31484-975dup (NM_133378.4); c.34265-975dup (NM_001256850.1); short protein forms V12117fs.
Identifiers: ClinVar variation 3762979 (VCV003762979.2).